The following is an entry in ClinVar:

NM_000393.5(COL5A2):c.3728G>A (p.Ser1243Asn)

Gene: COL5A2 (collagen type V alpha 2 chain; minus strand). Cytogenetic location: 2q32.2.
Variant type: single nucleotide variant.
Coding change: c.3728G>A on transcript NM_000393.5 (MANE Select); coding-DNA position 3728, G replaced by A.
Protein change: p.Ser1243Asn; replaces serine 1243 with asparagine.
Molecular consequence: missense variant.
Genome position (GRCh38, 1-based): chr2:189,039,469, C>T on the plus strand (G>A on the coding strand, the complement: COL5A2 is on the minus strand). VCF-style: chr2-189039469-C-T. GRCh37 (hg19) VCF-style: chr2-189904195-C-T.
Other names: p.S1243N:AGC>AAC; p.Ser1243Asn; short protein forms S1243N.
Identifiers: ClinVar variation 213083 (VCV000213083.26), dbSNP rs140851866, ClinGen allele CA324913.

ClinVar aggregate classification (germline): Likely benign. Review status: criteria provided, multiple submitters, no conflicts (2 of 4 stars). 7 submissions from 7 submitters: Likely benign (7). Last evaluated 2026-07-01.

Conditions:
Ehlers-Danlos syndrome, classic type, 1 (EDSCL1). Also called: Ehlers-Danlos syndrome, type 1; EHLERS-DANLOS SYNDROME, GRAVIS TYPE; EHLERS-DANLOS SYNDROME, SEVERE CLASSIC TYPE; Ehlers-Danlos Syndrome, Classic Type, COL5A1-Related; EDS I. Identifiers: MedGen C0268335, MONDO:0019567, OMIM 130000.
Familial thoracic aortic aneurysm and aortic dissection (TAAD). Also called: Thoracic aortic aneurysms and dissections. Identifiers: Orphanet 91387, MedGen C4707243, MONDO:0019625.

Allele frequency attached by ClinVar (database versions not stated): gnomAD 0.00015; gnomAD exomes 0.00016 and 0.00027; TOPMed 0.00017; ExAC 0.00023; ESP Exome Variant Server 0.00023.
gnomAD v4.1: 283 of 1,613,970 alleles (0.018%); highest among the groups gnomAD compares: Middle Eastern, 0.099%; no homozygotes.

Submissions (7):

CeGaT Center for Human Genetics Tuebingen
Classification: Likely benign. Last evaluated: 2026-07-01. Review status: criteria provided, single submitter. Criteria: CeGaT Center For Human Genetics Tuebingen Variant Classification Criteria Version 2. Collection method: clinical testing. Allele origin: germline. Affected: yes. Observed: 2 variant alleles.
Comment: COL5A2: PP2, BP4, BS1

Women's Health and Genetics/Laboratory Corporation of America, LabCorp
Classification: Likely benign. Last evaluated: 2026-01-20. Review status: criteria provided, single submitter. Criteria: LabCorp Variant Classification Summary - May 2015. Collection method: clinical testing. Allele origin: germline.
Comment: Variant summary: COL5A2 c.3728G>A (p.Ser1243Asn) results in a conservative amino acid change in the encoded protein sequence. Algorithms developed to predict the effect of missense changes on protein structure and function all suggest that this variant is likely to be tolerated. The variant allele was found at a frequency of 0.00027 in 251232 control chromosomes. The observed variant frequency exceeds the estimated maximal expected allele frequency for disease-causing variants in COL5A2. To our knowledge, no occurrence of c.3728G>A in individuals affected with COL5A2-related conditions and no experimental evidence demonstrating its impact on protein function have been reported. ClinVar contains an entry for this variant (Variation ID: 213083). Based on the evidence outlined above, the variant was classified as likely benign.

Labcorp Genetics (formerly Invitae), Labcorp
Classification: Likely benign for Ehlers-Danlos syndrome, classic type, 1. Last evaluated: 2026-01-16. Review status: criteria provided, single submitter. Criteria: Invitae Variant Classification Sherloc (09022015). Collection method: clinical testing. Allele origin: germline.

Mayo Clinic Laboratories, Mayo Clinic
Classification: Likely benign. Last evaluated: 2025-08-05. Review status: criteria provided, single submitter. Criteria: ACMG Guidelines, 2015. Collection method: clinical testing. Allele origin: germline. Observed: 3 variant alleles.
Comment: BS1, BP4_moderate

Blueprint Genetics
Classification: Likely benign. Last evaluated: 2024-09-15. Review status: criteria provided, single submitter. Criteria: ACMG Guidelines, 2015. Collection method: clinical testing. Allele origin: germline.

GeneDx
Classification: Likely benign. Last evaluated: 2020-12-15. Review status: criteria provided, single submitter. Criteria: GeneDx Variant Classification Process June 2021. Collection method: clinical testing. Allele origin: germline. Affected: yes.

Ambry Genetics
Classification: Likely benign for Familial thoracic aortic aneurysm and aortic dissection. Last evaluated: 2018-07-09. Review status: criteria provided, single submitter. Criteria: Ambry Variant Classification Scheme 2023. Collection method: clinical testing. Allele origin: germline.